The following is an entry in ClinVar:

NM_000533.5(PLP1):c.749C>T (p.Thr250Ile)

Genes: PLP1 (proteolipid protein 1; plus strand), RAB9B (RAB9B, member RAS oncogene family; minus strand). Cytogenetic location: Xq22.2.
Variant type: single nucleotide variant.
Coding change: c.749C>T on transcript NM_000533.5 (MANE Select); coding-DNA position 749, C replaced by T.
Protein change: p.Thr250Ile; replaces threonine 250 with isoleucine.
Molecular consequence: missense variant.
Genome position (GRCh38, 1-based): chrX:103,789,385, C>T. VCF-style: chrX-103789385-C-T. GRCh37 (hg19) VCF-style: chrX-103044314-C-T.
Other names: c.749C>T, p.Thr250Ile (NM_001128834.3); c.584C>T, p.Thr195Ile (NM_001305004.1); c.644C>T, p.Thr215Ile (NM_199478.3); short protein forms T195I, T215I, T250I.
Identifiers: ClinVar variation 2572279 (VCV002572279.1), dbSNP rs2522323146, ClinGen allele CA414104692.

ClinVar aggregate classification (germline): Uncertain significance (1 of 4 stars; one submission).

Submission:

Greenwood Genetic Center Diagnostic Laboratories, Greenwood Genetic Center
Classification: Uncertain significance. Last evaluated: 2023-06-16. Review status: criteria provided, single submitter. Criteria: ACMG Guidelines, 2015. Collection method: clinical testing. Allele origin: germline. Affected: yes.
Comment: PM1, PM2, PP3